The following is an entry in ClinVar:

NM_003005.4(SELP):c.1879C>A (p.Pro627Thr)

Gene: SELP (selectin P; minus strand). Cytogenetic location: 1q24.2.
Variant type: single nucleotide variant.
Coding change: c.1879C>A on transcript NM_003005.4 (MANE Select); coding-DNA position 1879, C replaced by A.
Protein change: p.Pro627Thr; replaces proline 627 with threonine.
Molecular consequence: missense variant.
Genome position (GRCh38, 1-based): chr1:169,597,003, G>T on the plus strand (C>A on the coding strand, the complement: SELP is on the minus strand). VCF-style: chr1-169597003-G-T. GRCh37 (hg19) VCF-style: chr1-169566241-G-T.
Other names: short protein forms P627T.
Identifiers: ClinVar variation 992522 (VCV000992522.2), dbSNP rs1661653936, ClinGen allele CA343152363.

ClinVar aggregate classification (germline): Uncertain significance (1 of 4 stars; one submission).

gnomAD v4.1: 6 of 1,611,676 alleles (0.00037%); highest among the groups gnomAD compares: Non-Finnish European, 0.00051%; no homozygotes.

Submission:

Center for Genomics, Ann and Robert H. Lurie Children's Hospital of Chicago
Classification: Uncertain significance. Last evaluated: 2021-03-30. Review status: criteria provided, single submitter. Criteria: ACMG Guidelines, 2015. Collection method: clinical testing. Allele origin: germline.
Comment: SELP NM_003005.3 exon 11 p.Pro627Thr (c.1879C>A): This variant has not been reported in the literature and is not present in large control databases. Evolutionary conservation and computational predictive tools suggest that this variant may impact the protein. In summary, data on this variant is insufficient for disease classification. Therefore, the clinical significance of this variant is uncertain.